The following is an entry in ClinVar:

NC_000005.9:g.(?_80021262)_(80171691_?)dup

Genes: MSH3 (mutS homolog 3; plus strand), LOC129994140 (ATAC-STARR-seq lymphoblastoid active region 22728; plus strand), LOC129389307 (MPRA-validated peak5311 silencer; plus strand). Cytogenetic location: 5q14.1.
Variant type: Duplication.
Identifiers: ClinVar variation 644817 (VCV000644817.2).

ClinVar aggregate classification (germline): Uncertain significance (1 of 4 stars; one submission).

Submission:

Labcorp Genetics (formerly Invitae), Labcorp
Classification: Uncertain significance. Last evaluated: 2019-01-19. Review status: criteria provided, single submitter. Criteria: Invitae Variant Classification Sherloc (09022015). Collection method: clinical testing. Allele origin: germline.
Comment: This variant results in a copy number gain of the genomic region encompassing exons 9-24 of the MSH3 gene. The 5' boundary is likely confined to intron 8. The 3' end of this event is unknown as it extends beyond the assayed region for this gene and therefore may encompass additional genes. As the precise location of this event is unknown, it may be in tandem or it may be located elsewhere in the genome. This variant has not been reported in the literature in individuals with MSH3-related disease. Experimental studies and prediction algorithms are not available for this variant, and the functional significance of this copy number gain is currently unknown. In summary, the available evidence is currently insufficient to determine the role of this variant in disease. Therefore, it has been classified as a Variant of Uncertain Significance.